The following is an entry in ClinVar:

ClinVar aggregate classification (germline): Uncertain significance (1 of 4 stars; one submission).

Conditions:
Inborn genetic diseases. Identifiers: MedGen C0950123, MeSH D030342.

Submission:

Ambry Genetics
Classification: Uncertain significance for Inborn genetic diseases. Last evaluated: 2025-01-28. Review status: criteria provided, single submitter. Criteria: Ambry Variant Classification Scheme 2023. Collection method: clinical testing. Allele origin: germline.
Comment: The p.L477V variant (also known as c.1429C>G), located in coding exon 13 of the FIG4 gene, results from a C to G substitution at nucleotide position 1429. The leucine at codon 477 is replaced by valine, an amino acid with highly similar properties. This amino acid position is conserved. In addition, this alteration is predicted to be tolerated by in silico analysis. Based on the available evidence, the clinical significance of this variant remains unclear.

NM_014845.6(FIG4):c.1429C>G (p.Leu477Val)

Gene: FIG4 (FIG4 phosphoinositide 5-phosphatase; plus strand). Cytogenetic location: 6q21.
Variant type: single nucleotide variant.
Coding change: c.1429C>G on transcript NM_014845.6 (MANE Select); coding-DNA position 1429, C replaced by G.
Protein change: p.Leu477Val; replaces leucine 477 with valine.
Molecular consequence: missense variant.
Genome position (GRCh38, 1-based): chr6:109,763,977, C>G. VCF-style: chr6-109763977-C-G. GRCh37 (hg19) VCF-style: chr6-110085180-C-G.
Other names: short protein forms L477V.
Identifiers: ClinVar variation 3850377 (VCV003850377.1).